The following is an entry in ClinVar:

NM_014795.4(ZEB2):c.997A>G (p.Lys333Glu)

Gene: ZEB2 (zinc finger E-box binding homeobox 2; minus strand). Cytogenetic location: 2q22.3.
Variant type: single nucleotide variant.
Coding change: c.997A>G on transcript NM_014795.4 (MANE Select); coding-DNA position 997, A replaced by G.
Protein change: p.Lys333Glu; replaces lysine 333 with glutamic acid.
Molecular consequence: missense variant.
Genome position (GRCh38, 1-based): chr2:144,400,190, T>C on the plus strand (A>G on the coding strand, the complement: ZEB2 is on the minus strand). VCF-style: chr2-144400190-T-C. GRCh37 (hg19) VCF-style: chr2-145157757-T-C.
Other names: c.925A>G, p.Lys309Glu (NM_001171653.2); short protein forms K309E, K333E.
Identifiers: ClinVar variation 2002649 (VCV002002649.4), dbSNP rs1553961777, ClinGen allele CA348713191.

ClinVar aggregate classification (germline): Uncertain significance (1 of 4 stars; one submission).

Conditions:
Mowat-Wilson syndrome (MOWS). Also called: Classic Mowat-Wilson Syndrome. Identifiers: Orphanet 2152, MedGen C1856113, MONDO:0009341, OMIM 235730.

Submission:

Labcorp Genetics (formerly Invitae), Labcorp
Classification: Uncertain significance for Mowat-Wilson syndrome. Last evaluated: 2022-06-13. Review status: criteria provided, single submitter. Criteria: Invitae Variant Classification Sherloc (09022015). Collection method: clinical testing. Allele origin: germline.
Comment: In summary, the available evidence is currently insufficient to determine the role of this variant in disease. Therefore, it has been classified as a Variant of Uncertain Significance. Algorithms developed to predict the effect of missense changes on protein structure and function (SIFT, PolyPhen-2, Align-GVGD) all suggest that this variant is likely to be disruptive. This variant has not been reported in the literature in individuals affected with ZEB2-related conditions. This variant is not present in population databases (gnomAD no frequency). This sequence change replaces lysine, which is basic and polar, with glutamic acid, which is acidic and polar, at codon 333 of the ZEB2 protein (p.Lys333Glu).